The following is an entry in ClinVar:

NM_000132.4(F8):c.1901A>G (p.His634Arg)

Gene: F8 (coagulation factor VIII; minus strand). Cytogenetic location: Xq28.
Variant type: single nucleotide variant.
Coding change: c.1901A>G on transcript NM_000132.4 (MANE Select); coding-DNA position 1901, A replaced by G.
Protein change: p.His634Arg; replaces histidine 634 with arginine.
Molecular consequence: missense variant.
Genome position (GRCh38, 1-based): chrX:154,953,894, T>C on the plus strand (A>G on the coding strand, the complement: F8 is on the minus strand). VCF-style: chrX-154953894-T-C. GRCh37 (hg19) VCF-style: chrX-154182169-T-C.
Other names: short protein forms H634R.
Identifiers: ClinVar variation 4081661 (VCV004081661.1).

ClinVar aggregate classification (germline): Likely pathogenic (1 of 4 stars; one submission).

Conditions:
Hereditary factor VIII deficiency disease (HEMA). Also called: HEMOPHILIA, CLASSIC; AUTOSOMAL HEMOPHILIA A; Hemophilia A; Hemophilia A, congenital; HEM A; Factor 8 deficiency, congenital. Identifiers: Orphanet 98878, MedGen C0019069, MONDO:0010602, OMIM 306700.

Submission:

Myriad Genetics, Inc.
Classification: Likely pathogenic for Hereditary factor VIII deficiency disease. Last evaluated: 2025-05-08. Review status: criteria provided, single submitter. Criteria: Myriad Autosomal Dominant, Autosomal Recessive and X-Linked Classification Criteria (2023). Collection method: clinical testing. Allele origin: unknown.
Comment: NM_000132.3(F8):c.1901A>G(H634R) is a missense variant classified as likely pathogenic in the context of hemophilia A. H634R has been observed in cases with relevant disease (PMID: 34393174). Relevant functional assessments of this variant are not available in the literature. H634R has not been observed in referenced population frequency databases. In summary, NM_000132.3(F8):c.1901A>G(H634R) is a missense variant that has been observed more frequently in cases with the relevant disease than in healthy populations. Please note: this variant was assessed in the context of healthy population screening.

Literature cited by the submitters: PubMed 34393174.